The following is an entry in ClinVar:

ClinVar aggregate classification (germline): Uncertain significance (1 of 4 stars; one submission).

Conditions:
RASopathy. Also called: rasopathies; Noonan spectrum disorder. Identifiers: Orphanet 536391, MedGen C5555857, MONDO:0021060.

Submission:

Labcorp Genetics (formerly Invitae), Labcorp
Classification: Uncertain significance for RASopathy. Last evaluated: 2023-05-19. Review status: criteria provided, single submitter. Criteria: Invitae Variant Classification Sherloc (09022015). Collection method: clinical testing. Allele origin: germline.
Comment: In summary, the available evidence is currently insufficient to determine the role of this variant in disease. Therefore, it has been classified as a Variant of Uncertain Significance. Advanced modeling of protein sequence and biophysical properties (such as structural, functional, and spatial information, amino acid conservation, physicochemical variation, residue mobility, and thermodynamic stability) performed at Invitae indicates that this missense variant is not expected to disrupt PTPN11 protein function. This variant has not been reported in the literature in individuals affected with PTPN11-related conditions. This variant is not present in population databases (gnomAD no frequency). This sequence change replaces alanine, which is neutral and non-polar, with serine, which is neutral and polar, at codon 570 of the PTPN11 protein (p.Ala570Ser).

NM_002834.5(PTPN11):c.1708G>T (p.Ala570Ser)

Gene: PTPN11 (protein tyrosine phosphatase non-receptor type 11; plus strand). Cytogenetic location: 12q24.13.
Variant type: single nucleotide variant.
Coding change: c.1708G>T on transcript NM_002834.5 (MANE Select); coding-DNA position 1708, G replaced by T.
Protein change: p.Ala570Ser; replaces alanine 570 with serine.
Molecular consequence: missense variant.
Genome position (GRCh38, 1-based): chr12:112,502,252, G>T. VCF-style: chr12-112502252-G-T. GRCh37 (hg19) VCF-style: chr12-112940056-G-T.
Other names: c.1720G>T, p.Ala574Ser (NM_001330437.2); c.1705G>T, p.Ala569Ser (NM_001374625.1); short protein forms A570S, A574S, A569S.
Identifiers: ClinVar variation 2865533 (VCV002865533.3), dbSNP rs2540476968, ClinGen allele CA386783685.